The following is an entry in ClinVar:

ClinVar aggregate classification (germline): Uncertain significance. Review status: criteria provided, multiple submitters, no conflicts (2 of 4 stars). 2 submissions from 2 submitters: Uncertain significance (2). Last evaluated 2024-05-28.

Allele frequency attached by ClinVar (database versions not stated): gnomAD exomes below 0.00001; ExAC 0.00001; TOPMed below 0.00001.
gnomAD v4.1: 2 of 1,613,842 alleles (0.00012%); highest among the groups gnomAD compares: Non-Finnish European, 0.00017%; no homozygotes.

Submissions (2):

Ambry Genetics
Classification: Uncertain significance. Last evaluated: 2024-05-28. Review status: criteria provided, single submitter. Criteria: Ambry Variant Classification Scheme 2023. Collection method: clinical testing. Allele origin: germline.

Labcorp Genetics (formerly Invitae), Labcorp
Classification: Uncertain significance. Last evaluated: 2021-12-07. Review status: criteria provided, single submitter. Criteria: Invitae Variant Classification Sherloc (09022015). Collection method: clinical testing. Allele origin: germline.
Comment: This sequence change replaces glutamic acid, which is acidic and polar, with glycine, which is neutral and non-polar, at codon 258 of the TUB protein (p.Glu258Gly). This variant is present in population databases (rs761912164, gnomAD 0.0009%). This variant has not been reported in the literature in individuals affected with TUB-related conditions. ClinVar contains an entry for this variant (Variation ID: 1003923). Algorithms developed to predict the effect of missense changes on protein structure and function are either unavailable or do not agree on the potential impact of this missense change (SIFT: "Deleterious"; PolyPhen-2: "Possibly Damaging"; Align-GVGD: "Class C15"). In summary, the available evidence is currently insufficient to determine the role of this variant in disease. Therefore, it has been classified as a Variant of Uncertain Significance.

NM_177972.3(TUB):c.608A>G (p.Glu203Gly)

Genes: RIC3 (RIC3 acetylcholine receptor chaperone; minus strand), TUB (TUB bipartite transcription factor; plus strand). Cytogenetic location: 11p15.4.
Variant type: single nucleotide variant.
Coding change: c.608A>G on transcript NM_177972.3 (MANE Select); coding-DNA position 608, A replaced by G.
Protein change: p.Glu203Gly; replaces glutamic acid 203 with glycine.
Molecular consequence: missense variant.
Genome position (GRCh38, 1-based): chr11:8,096,727, A>G. VCF-style: chr11-8096727-A-G. GRCh37 (hg19) VCF-style: chr11-8118274-A-G.
Other names: c.773A>G (NM_003320.4); c.773A>G, p.Glu258Gly (NM_003320.5); short protein forms E203G, E258G.
Identifiers: ClinVar variation 1003923 (VCV001003923.4), dbSNP rs761912164, ClinGen allele CA5871165.